The following is an entry in ClinVar:

ClinVar aggregate classification (germline): Conflicting classifications of pathogenicity. Review status: criteria provided, conflicting classifications (1 of 4 stars). 8 submissions from 6 submitters: Uncertain significance (5); Likely benign (2). 1 of the submissions does not count toward it. Last evaluated 2024-01-12.

Conditions:
Acute febrile neutrophilic dermatosis (AFND). Also called: Gomm Button disease; Sweet Syndrome. Identifiers: Orphanet 3243, MedGen C0085077, MONDO:0011959, OMIM 608068.
Inborn genetic diseases. Identifiers: MedGen C0950123, MeSH D030342.
Familial Mediterranean fever (FMF). Also called: Periodic peritonitis; Benign paroxysmal peritonitis; POLYSEROSITIS, FAMILIAL PAROXYSMAL; POLYSEROSITIS, RECURRENT. Identifiers: Orphanet 342, MedGen C0031069, MONDO:0018088, OMIM 249100. Disease mechanism: gain of function.
Familial Mediterranean fever, autosomal dominant. Also called: Dominant Familial Mediterranean Fever; FMF, AUTOSOMAL DOMINANT. Identifiers: Orphanet 342, MedGen C1851347, MONDO:0007601, OMIM 134610.

gnomAD v4.1: 1 of 1,612,742 alleles (0.000062%); no homozygotes.

Submissions (8):

Blueprint Genetics
Classification: Uncertain significance. Last evaluated: 2024-01-12. Review status: criteria provided, single submitter. Criteria: ACMG Guidelines, 2015. Collection method: clinical testing. Allele origin: germline.

Genome-Nilou Lab
Classification: Uncertain significance for Familial Mediterranean fever. Last evaluated: 2023-02-08. Review status: criteria provided, single submitter. Criteria: ACMG Guidelines, 2015. Collection method: clinical testing. Allele origin: germline.

Genome-Nilou Lab
Classification: Likely benign for Familial Mediterranean fever, autosomal dominant. Last evaluated: 2023-02-08. Review status: criteria provided, single submitter. Criteria: ACMG Guidelines, 2015. Collection method: clinical testing. Allele origin: germline.

Genome-Nilou Lab
Classification: Likely benign for Acute febrile neutrophilic dermatosis. Last evaluated: 2023-02-08. Review status: criteria provided, single submitter. Criteria: ACMG Guidelines, 2015. Collection method: clinical testing. Allele origin: germline.

Ambry Genetics
Classification: Uncertain significance for Inborn genetic diseases. Last evaluated: 2021-12-03. Review status: criteria provided, single submitter. Criteria: Ambry Variant Classification Scheme 2023. Collection method: clinical testing. Allele origin: germline.

Labcorp Genetics (formerly Invitae), Labcorp
Classification: Uncertain significance for Familial Mediterranean fever. Last evaluated: 2021-08-12. Review status: criteria provided, single submitter. Criteria: Invitae Variant Classification Sherloc (09022015). Collection method: clinical testing. Allele origin: germline.
Comment: This sequence change replaces histidine with glutamine at codon 123 of the MEFV protein (p.His123Gln). The histidine residue is weakly conserved and there is a small physicochemical difference between histidine and glutamine. This variant is not present in population databases (ExAC no frequency). This missense change has been observed in individual(s) with clinical features of MEFV-related conditions (PMID: 18409191). ClinVar contains an entry for this variant (Variation ID: 161092). Algorithms developed to predict the effect of missense changes on protein structure and function (SIFT, PolyPhen-2, Align-GVGD) all suggest that this variant is likely to be tolerated. In summary, the available evidence is currently insufficient to determine the role of this variant in disease. Therefore, it has been classified as a Variant of Uncertain Significance.

Women's Health and Genetics/Laboratory Corporation of America, LabCorp
Classification: Uncertain significance. Last evaluated: 2017-03-14. Review status: criteria provided, single submitter. Criteria: LabCorp Variant Classification Summary - May 2015. Collection method: clinical testing. Allele origin: germline.
Comment: Variant summary: The MEFV c.369C>A (p.His123Gln) variant involves the alteration of a non-conserved nucleotide. 5/5 in silico tools predict a benign outcome for this variant . This variant is absent in 114684 control chromosomes. The variant of interest has not, to our knowledge, been reported in affected individuals via publications nor evaluated for functional impact by in vivo/vitro studies. Because of the absence of clinical information and the lack of functional studies, the variant is classified as a variant of uncertain significance (VUS) until additional information becomes available.

Medical Genetics of Dicle University
No classification provided. Condition: Familial Mediterranean fever. Review status: no classification provided. Collection method: not provided. Allele origin: somatic. Not counted in ClinVar's aggregate classification.
Comment: FMF with criteria.

Literature cited by the submitters: PubMed 18409191 (cited by Labcorp Genetics (formerly Invitae), Labcorp).

NM_000243.3(MEFV):c.369C>A (p.His123Gln)

Gene: MEFV (MEFV innate immunity regulator, pyrin; minus strand). Cytogenetic location: 16p13.3.
Variant type: single nucleotide variant.
Coding change: c.369C>A on transcript NM_000243.3 (MANE Select); coding-DNA position 369, C replaced by A.
Protein change: p.His123Gln; replaces histidine 123 with glutamine.
Molecular consequence: missense variant. On other transcripts: intron variant (1).
Genome position (GRCh38, 1-based): chr16:3,254,699, G>T on the plus strand (C>A on the coding strand, the complement: MEFV is on the minus strand). VCF-style: chr16-3254699-G-T. GRCh37 (hg19) VCF-style: chr16-3304699-G-T.
Other names: c.277+1612C>A (NM_001198536.2); short protein forms H123Q.
Identifiers: ClinVar variation 161092 (VCV000161092.9), dbSNP rs587783379, ClinGen allele CA280902.
Genomic context (GRCh38, chr16:3,254,699, plus strand): 5'-CCGCAGGCTGGCAGCTCCGCCCCCGTACGGCCGAGGGCCGTTCCCCTCGTTCCCCTCGGG[G>T]TGGTCTGGAGTCTTCAGGCTCCTGGGCTTGTTCTCCCCCAGGGAGCTGGACGCTGCGGAA-3'
Protein context (NP_000234.1, residues 113-133): NKPRSLKTPD[His123Gln]PEGNEGNGPR